The following is an entry in ClinVar:

NM_001368397.1(FRMPD4):c.3964+1G>A

Gene: FRMPD4 (FERM and PDZ domain containing 4; plus strand). Cytogenetic location: Xp22.2.
Variant type: single nucleotide variant.
Coding change: c.3964+1G>A on transcript NM_001368397.1 (MANE Select); the canonical splice donor site of the intron after coding-DNA position 3964, G replaced by A.
Molecular consequence: splice donor variant.
Genome position (GRCh38, 1-based): chrX:12,718,791, G>A. VCF-style: chrX-12718791-G-A. GRCh37 (hg19) VCF-style: chrX-12736910-G-A.
Other names: c.4075+1G>A (NM_001368398.3, NM_001368395.3); c.3940+1G>A (NM_001368402.3, NM_001368401.1); c.3844+1G>A (NM_001368400.3); c.3955+1G>A (NM_001368399.3); c.3964+1G>A (NM_014728.3); c.3970+1G>A (NM_001368396.3).
Identifiers: ClinVar variation 4879770 (VCV004879770.1).

ClinVar aggregate classification (germline): Likely pathogenic (1 of 4 stars; one submission).

Conditions:
Intellectual developmental disorder, X-linked 104. Also called: Intellectual disability, X-linked 104. Identifiers: MedGen C4310817, MONDO:0010509, OMIM 300983.

Submission:

Victorian Clinical Genetics Services, Murdoch Childrens Research Institute
Classification: Likely pathogenic for Intellectual developmental disorder, X-linked 104. Last evaluated: 2026-04-27. Review status: criteria provided, single submitter. Criteria: ACMG Guidelines, 2015. Collection method: clinical testing. Allele origin: germline. Affected: yes.
Comment: This variant is classified as Likely pathogenic. Evidence in support of pathogenic classification: Canonical splice site variant without proven consequence on splicing (no functional evidence available); Variant is absent from gnomAD (v2, v3 and v4); Abnormal splicing is predicted by in silico tool and affected nucleotide is highly conserved. Additional information: This variant is heterozygous; This gene is associated with X-linked disease; This variant has no previous evidence of pathogenicity; No published evidence of segregation with disease has been identified for this variant; No published functional evidence has been identified for this variant; No comparable canonical-splice site variants have previous evidence for pathogenicity; Loss of function is a known mechanism of disease in this gene and is associated with intellectual developmental disorder, X-linked 104 (MIM#300983).